The following is an entry in ClinVar:

ClinVar aggregate classification (germline): Likely pathogenic (1 of 4 stars; one submission).

Conditions:
Retinitis pigmentosa 2 (RP2). Also called: Retinitis pigmentosa 2, X linked. Identifiers: Orphanet 791, MedGen C2681923, MONDO:0010723, OMIM 312600.

Submission:

3billion
Classification: Likely pathogenic for Retinitis pigmentosa 2. Last evaluated: 2023-09-21. Review status: criteria provided, single submitter. Criteria: ACMG Guidelines, 2015. Collection method: clinical testing. Allele origin: germline. Affected: yes.
Comment: The variant is not observed in the gnomAD v2.1.1 dataset. Predicted Consequence/Location: Stop-gained (nonsense): predicted to result in a loss or disruption of normal protein function through nonsense-mediated decay (NMD) or protein truncation. Multiple pathogenic variants are reported downstream of the variant. Therefore, this variant is classified as Likely pathogenic according to the recommendation of ACMG/AMP guideline.

NM_006915.3(RP2):c.412G>T (p.Glu138Ter)

Gene: RP2 (RP2 activator of ARL3 GTPase; plus strand). Cytogenetic location: Xp11.3.
Variant type: single nucleotide variant.
Coding change: c.412G>T on transcript NM_006915.3 (MANE Select); coding-DNA position 412, G replaced by T.
Protein change: p.Glu138Ter; replaces glutamic acid 138 with a stop codon.
Molecular consequence: nonsense.
Genome position (GRCh38, 1-based): chrX:46,853,785, G>T. VCF-style: chrX-46853785-G-T. GRCh37 (hg19) VCF-style: chrX-46713220-G-T.
Other names: short protein forms E138*.
Identifiers: ClinVar variation 3775757 (VCV003775757.1).